The following is an entry in ClinVar:

ClinVar aggregate classification (germline): Uncertain significance (1 of 4 stars; one submission).

Allele frequency attached by ClinVar (database versions not stated): gnomAD exomes below 0.00001.
gnomAD v4.1: 1 of 1,543,420 alleles (0.000065%); highest among the groups gnomAD compares: Admixed American, 0.002%; no homozygotes.

Submission:

Labcorp Genetics (formerly Invitae), Labcorp
Classification: Uncertain significance. Last evaluated: 2017-09-11. Review status: criteria provided, single submitter. Criteria: Invitae Variant Classification Sherloc (09022015). Collection method: clinical testing. Allele origin: germline.
Comment: In summary, the available evidence is currently insufficient to determine the role of this variant in disease. Therefore, it has been classified as a Variant of Uncertain Significance. This sequence change replaces proline with arginine at codon 49 of the TMEM5 protein (p.Pro49Arg). The proline residue is moderately conserved and there is a moderate physicochemical difference between proline and arginine. This variant is not present in population databases (ExAC no frequency). This variant has not been reported in the literature in individuals with TMEM5-related disease. Algorithms developed to predict the effect of missense changes on protein structure and function (SIFT, PolyPhen-2, Align-GVGD) all suggest that this variant is likely to be tolerated, but these predictions have not been confirmed by published functional studies and their clinical significance is uncertain.

NM_014254.3(RXYLT1):c.146C>G (p.Pro49Arg)

Gene: RXYLT1 (ribitol xylosyltransferase 1; plus strand). Cytogenetic location: 12q14.2.
Variant type: single nucleotide variant.
Coding change: c.146C>G on transcript NM_014254.3 (MANE Select); coding-DNA position 146, C replaced by G.
Protein change: p.Pro49Arg; replaces proline 49 with arginine.
Molecular consequence: missense variant.
Genome position (GRCh38, 1-based): chr12:63,780,106, C>G. VCF-style: chr12-63780106-C-G. GRCh37 (hg19) VCF-style: chr12-64173886-C-G.
Other names: short protein forms P49R.
Identifiers: ClinVar variation 540605 (VCV000540605.9), dbSNP rs1555225874, ClinGen allele CA385584018.